The following is an entry in ClinVar:

NM_000312.4(PROC):c.1117T>A (p.Cys373Ser)

Gene: PROC (protein C, inactivator of coagulation factors Va and VIIIa; plus strand). Cytogenetic location: 2q14.3.
Variant type: single nucleotide variant.
Coding change: c.1117T>A on transcript NM_000312.4 (MANE Select); coding-DNA position 1117, T replaced by A.
Protein change: p.Cys373Ser; replaces cysteine 373 with serine.
Molecular consequence: missense variant.
Genome position (GRCh38, 1-based): chr2:127,428,677, T>A. VCF-style: chr2-127428677-T-A. GRCh37 (hg19) VCF-style: chr2-128186253-T-A.
Other names: c.1300T>A, p.Cys434Ser (NM_001375602.1); c.1282T>A, p.Cys428Ser (NM_001375603.1); c.1180T>A, p.Cys394Ser (NM_001375604.1); c.1219T>A, p.Cys407Ser (NM_001375605.1); c.1285T>A, p.Cys429Ser (NM_001375606.1); c.1303T>A, p.Cys435Ser (NM_001375607.1); c.1060T>A, p.Cys354Ser (NM_001375608.1); c.1093T>A, p.Cys365Ser (NM_001375609.1); and 2 more; short protein forms C354S, C394S, C407S, C434S, C371S, C435S, C365S, C373S.
Identifiers: ClinVar variation 2875261 (VCV002875261.3), dbSNP rs2468378551, ClinGen allele CA348405860.

ClinVar aggregate classification (germline): Uncertain significance (1 of 4 stars; one submission).

Conditions:
Thrombophilia due to protein C deficiency, autosomal dominant. Also called: PROC DEFICIENCY, AUTOSOMAL DOMINANT; PROTEIN C DEFICIENCY, AUTOSOMAL DOMINANT. Identifiers: Orphanet 745, MedGen C2674321, MONDO:0008316, OMIM 176860. Disease mechanism: loss of function.

Submission:

Labcorp Genetics (formerly Invitae), Labcorp
Classification: Uncertain significance for Thrombophilia due to protein C deficiency, autosomal dominant. Last evaluated: 2024-07-13. Review status: criteria provided, single submitter. Criteria: Invitae Variant Classification Sherloc (09022015). Collection method: clinical testing. Allele origin: germline.
Comment: This sequence change replaces cysteine, which is neutral and slightly polar, with serine, which is neutral and polar, at codon 373 of the PROC protein (p.Cys373Ser). This variant is not present in population databases (gnomAD no frequency). This variant has not been reported in the literature in individuals affected with PROC-related conditions. Advanced modeling of protein sequence and biophysical properties (such as structural, functional, and spatial information, amino acid conservation, physicochemical variation, residue mobility, and thermodynamic stability) performed at Invitae indicates that this missense variant is expected to disrupt PROC protein function with a positive predictive value of 80%. In summary, the available evidence is currently insufficient to determine the role of this variant in disease. Therefore, it has been classified as a Variant of Uncertain Significance.